The following is an entry in ClinVar:

ClinVar aggregate classification (germline): Uncertain significance. Review status: criteria provided, multiple submitters, no conflicts (2 of 4 stars). 2 submissions from 2 submitters: Uncertain significance (2). Last evaluated 2026-02-01.

Conditions:
Amyotrophic lateral sclerosis type 1 (ALS1). Also called: AMYOTROPHIC LATERAL SCLEROSIS 1, FAMILIAL. Identifiers: Orphanet 803, MedGen C1862939, MONDO:0007103, OMIM 105400.
Perry syndrome. Also called: PARKINSONISM WITH ALVEOLAR HYPOVENTILATION AND MENTAL DEPRESSION. Identifiers: Orphanet 178509, MedGen C1868594, MONDO:0008201, OMIM 168605.
Neuronopathy, distal hereditary motor, type 7B. Also called: Distal Hereditary Motor Neuronopathy Type 7B (dHMN7B); HMN VIIB; LOWER MOTOR NEURON DISEASE, DYNACTIN TYPE; NEURONOPATHY, DISTAL HEREDITARY MOTOR, AUTOSOMAL DOMINANT 14; NEURONOPATHY, DISTAL HEREDITARY MOTOR, HARDING TYPE VIIB; NEUROPATHY, DISTAL HEREDITARY MOTOR, HARDING TYPE VIIB. Identifiers: Orphanet 139589, MedGen C1843315, MONDO:0011879, OMIM 607641.

Allele frequency attached by ClinVar (database versions not stated): gnomAD exomes below 0.00001; TOPMed below 0.00001; ESP Exome Variant Server 0.00008.
gnomAD v4.1: 3 of 1,614,158 alleles (0.00019%); highest among the groups gnomAD compares: Non-Finnish European, 0.00025%; no homozygotes.

Submissions (2):

CeGaT Center for Human Genetics Tuebingen
Classification: Uncertain significance. Last evaluated: 2026-02-01. Review status: criteria provided, single submitter. Criteria: CeGaT Center For Human Genetics Tuebingen Variant Classification Criteria Version 2. Collection method: clinical testing. Allele origin: germline. Affected: yes. Observed: 1 variant allele.
Comment: DCTN1: PM2, PP3

Labcorp Genetics (formerly Invitae), Labcorp
Classification: Uncertain significance for Amyotrophic lateral sclerosis type 1; Neuronopathy, distal hereditary motor, type 7B; Perry syndrome. Last evaluated: 2021-01-13. Review status: criteria provided, single submitter. Criteria: Invitae Variant Classification Sherloc (09022015). Collection method: clinical testing. Allele origin: germline.
Comment: This variant is not present in population databases (ExAC no frequency). This sequence change replaces leucine with phenylalanine at codon 702 of the DCTN1 protein (p.Leu702Phe). The leucine residue is highly conserved and there is a small physicochemical difference between leucine and phenylalanine. This variant has not been reported in the literature in individuals with DCTN1-related conditions. Algorithms developed to predict the effect of missense changes on protein structure and function are either unavailable or do not agree on the potential impact of this missense change (SIFT: "Deleterious"; PolyPhen-2: "Benign"; Align-GVGD: "Class C15"). In summary, the available evidence is currently insufficient to determine the role of this variant in disease. Therefore, it has been classified as a Variant of Uncertain Significance.

NM_004082.5(DCTN1):c.2104C>T (p.Leu702Phe)

Gene: DCTN1 (dynactin subunit 1; minus strand). Cytogenetic location: 2p13.1.
Variant type: single nucleotide variant.
Coding change: c.2104C>T on transcript NM_004082.5 (MANE Select); coding-DNA position 2104, C replaced by T.
Protein change: p.Leu702Phe; replaces leucine 702 with phenylalanine.
Molecular consequence: missense variant. On other transcripts: non-coding transcript variant (1).
Genome position (GRCh38, 1-based): chr2:74,367,776, G>A on the plus strand (C>T on the coding strand, the complement: DCTN1 is on the minus strand). VCF-style: chr2-74367776-G-A. GRCh37 (hg19) VCF-style: chr2-74594903-G-A.
Other names: c.2044C>T, p.Leu682Phe (NM_001135040.3); c.1702C>T, p.Leu568Phe (NM_001135041.3, NM_023019.4); c.1993C>T, p.Leu665Phe (NM_001190836.2); c.2083C>T, p.Leu695Phe (NM_001190837.2); c.2053C>T, p.Leu685Phe (NM_001378991.1); c.2035C>T, p.Leu679Phe (NM_001378992.1); short protein forms L679F, L695F, L702F, L682F, L568F, L665F, L685F.
Identifiers: ClinVar variation 1508198 (VCV001508198.12), dbSNP rs374500944, ClinGen allele CA50475280.
Genomic context (GRCh38, chr2:74,367,776, plus strand): 5'-TGGTGAGAGGCTCCACATTGACAGTCTCATCCAGCTGATCCTTGTGCAGCAGTTCAATGA[G>A]GAAATCCAAGGAGCGCTCATGGGCACTCATCTCAGGGTACAGGCTGCCCACTTTCTTATA-3'
Protein context (NP_004073.2, residues 692-712): MSAHERSLDF[Leu702Phe]IELLHKDQLD